The following is an entry in ClinVar:

NM_001257180.2(SLC20A2):c.909G>A (p.Ala303=)

Gene: SLC20A2 (solute carrier family 20 member 2; minus strand). Cytogenetic location: 8p11.21.
Variant type: single nucleotide variant.
Coding change: c.909G>A on transcript NM_001257180.2 (MANE Select); coding-DNA position 909, G replaced by A.
Protein change: p.Ala303=; no amino-acid change (alanine 303 retained).
Molecular consequence: synonymous variant.
Genome position (GRCh38, 1-based): chr8:42,439,475, C>T on the plus strand (G>A on the coding strand, the complement: SLC20A2 is on the minus strand). VCF-style: chr8-42439475-C-T. GRCh37 (hg19) VCF-style: chr8-42296993-C-T.
Other names: p.Ala303=; c.909G>A, p.Ala303= (NM_001257181.2, NM_006749.5).
Identifiers: ClinVar variation 363081 (VCV000363081.18), dbSNP rs75248974, ClinGen allele CA4733436.

ClinVar aggregate classification (germline): Benign. Review status: criteria provided, multiple submitters, no conflicts (2 of 4 stars). 7 submissions from 7 submitters: Benign (6). 1 of the submissions does not count toward it. Last evaluated 2025-12-03.

Conditions:
Idiopathic basal ganglia calcification 1 (PFBC1A). Also called: Familial Idiopathic Basal Ganglia Calcification 2; Familial Idiopathic Basal Ganglia Calcification 3; Primary Familial Brain Calcification; PRIMARY FAMILIAL BRAIN CALCIFICATION 1A, AUTOSOMAL DOMINANT; Fahr's syndrome; Cerebral calcification nonarteriosclerotic idiopathic adult-onset. Identifiers: Orphanet 1980, MedGen C4551624, MONDO:0024538, OMIM 213600.

Allele frequency attached by ClinVar (database versions not stated): ESP Exome Variant Server 0.00054; TOPMed 0.00345; ExAC 0.00944; gnomAD 0.00528 and 0.00612; gnomAD exomes 0.00969 and 0.00431; 1000 Genomes Project 30x 0.01327; 1000 Genomes Project 0.01577.
gnomAD v4.1: 7,251 of 1,613,736 alleles (0.45%); highest among the groups gnomAD compares: East Asian, 7.2%; 205 homozygotes.

Submissions (7):

Labcorp Genetics (formerly Invitae), Labcorp
Classification: Benign. Last evaluated: 2025-12-03. Review status: criteria provided, single submitter. Criteria: Invitae Variant Classification Sherloc (09022015). Collection method: clinical testing. Allele origin: germline.

Mayo Clinic Laboratories, Mayo Clinic
Classification: Benign. Last evaluated: 2022-03-23. Review status: criteria provided, single submitter. Criteria: ACMG Guidelines, 2015. Collection method: clinical testing. Allele origin: germline. Observed: 1 variant allele.

GeneDx
Classification: Benign. Last evaluated: 2018-09-04. Review status: criteria provided, single submitter. Criteria: GeneDx Variant Classification Process June 2021. Collection method: clinical testing. Allele origin: germline. Affected: yes.

Illumina Laboratory Services, Illumina
Classification: Benign for Idiopathic basal ganglia calcification 1. Last evaluated: 2018-01-13. Review status: criteria provided, single submitter. Criteria: ICSL Variant Classification Criteria 13 December 2019. Collection method: clinical testing. Allele origin: germline.
Comment: This variant was observed in the ICSL laboratory as part of a predisposition screen in an ostensibly healthy population. It had not been previously curated by ICSL or reported in the Human Gene Mutation Database (HGMD: prior to June 1st, 2018), and was therefore a candidate for classification through an automated scoring system. Utilizing variant allele frequency, disease prevalence and penetrance estimates, and inheritance mode, an automated score was calculated to assess if this variant is too frequent to cause the disease. Based on the score and internal cut-off values, a variant classified as benign is not then subjected to further curation. The score for this variant resulted in a classification of benign for this disease.

Clinical Genetics DNA and cytogenetics Diagnostics Lab, Erasmus MC, Erasmus Medical Center
Classification: Benign for Idiopathic basal ganglia calcification 1. Last evaluated: 2017-06-28. Review status: criteria provided, single submitter. Criteria: ACGS Guidelines, 2013. Collection method: clinical testing. Allele origin: germline. Affected: yes. Study: VKGL Data-share Consensus.

Breakthrough Genomics
Classification: Benign. Review status: criteria provided, single submitter. Criteria: ACMG Guidelines, 2015. Collection method: not provided. Allele origin: germline. Inheritance: Autosomal dominant inheritance. Affected: yes.

Genome Diagnostics Laboratory, Amsterdam University Medical Center
Classification: Likely benign for Idiopathic basal ganglia calcification 1. Last evaluated: 2017-05-08. Review status: no assertion criteria provided. Criteria: ACGS Guidelines, 2013. Collection method: clinical testing. Allele origin: germline. Affected: yes. Study: VKGL Data-share Consensus. Not counted in ClinVar's aggregate classification.